The following is an entry in ClinVar:

ClinVar aggregate classification (germline): Uncertain significance (1 of 4 stars; one submission).

gnomAD v4.1: 1 of 1,613,810 alleles (0.000062%); highest among the groups gnomAD compares: Non-Finnish European, 0.000085%; no homozygotes.

Submission:

Labcorp Genetics (formerly Invitae), Labcorp
Classification: Uncertain significance. Last evaluated: 2022-11-22. Review status: criteria provided, single submitter. Criteria: Invitae Variant Classification Sherloc (09022015). Collection method: clinical testing. Allele origin: germline.
Comment: This variant has not been reported in the literature in individuals affected with CACNA1D-related conditions. This sequence change replaces threonine, which is neutral and polar, with isoleucine, which is neutral and non-polar, at codon 2018 of the CACNA1D protein (p.Thr2018Ile). This variant is not present in population databases (gnomAD no frequency). Algorithms developed to predict the effect of missense changes on protein structure and function are either unavailable or do not agree on the potential impact of this missense change (SIFT: "Deleterious"; PolyPhen-2: "Probably Damaging"; Align-GVGD: "Class C0"). In summary, the available evidence is currently insufficient to determine the role of this variant in disease. Therefore, it has been classified as a Variant of Uncertain Significance.

NM_001128840.3(CACNA1D):c.5993C>T (p.Thr1998Ile)

Gene: CACNA1D (calcium voltage-gated channel subunit alpha1 D; plus strand). Cytogenetic location: 3p21.1.
Variant type: single nucleotide variant.
Coding change: c.5993C>T on transcript NM_001128840.3 (MANE Select); coding-DNA position 5993, C replaced by T.
Protein change: p.Thr1998Ile; replaces threonine 1998 with isoleucine.
Molecular consequence: missense variant.
Genome position (GRCh38, 1-based): chr3:53,810,099, C>T. VCF-style: chr3-53810099-C-T. GRCh37 (hg19) VCF-style: chr3-53844126-C-T.
Other names: c.6053C>T, p.Thr2018Ile (NM_000720.4); c.5921C>T, p.Thr1974Ile (NM_001128839.3); short protein forms T1974I, T1998I, T2018I.
Identifiers: ClinVar variation 1901097 (VCV001901097.5), dbSNP rs141581705, ClinGen allele CA353258244.
Genomic context (GRCh38, chr3:53,810,099, plus strand): 5'-CCCGGTCGTGGGCCACCCCTCCAGCAACCCCTCCCTACCGGGACTGGACACCGTGCTACA[C>T]CCCCCTGATCCAAGTGGAGCAGTCAGAGGCCCTGGACCAGGTGAACGGCAGCCTGCCGTC-3'
Protein context (NP_001122312.1, residues 1988-2008): PPYRDWTPCY[Thr1998Ile]PLIQVEQSEA